The following is an entry in ClinVar:

NM_001038603.3(MARVELD2):c.1006C>T (p.Arg336Trp)

Gene: MARVELD2 (MARVEL domain containing 2; plus strand). Cytogenetic location: 5q13.2.
Variant type: single nucleotide variant.
Coding change: c.1006C>T on transcript NM_001038603.3 (MANE Select); coding-DNA position 1006, C replaced by T.
Protein change: p.Arg336Trp; replaces arginine 336 with tryptophan.
Molecular consequence: missense variant.
Genome position (GRCh38, 1-based): chr5:69,420,391, C>T. VCF-style: chr5-69420391-C-T. GRCh37 (hg19) VCF-style: chr5-68716218-C-T.
Other names: c.1006C>T, p.Arg336Trp (NM_001244734.2); short protein forms R336W.
Identifiers: ClinVar variation 228851 (VCV000228851.5), dbSNP rs779060557, ClinGen allele CA3294154.

ClinVar aggregate classification (germline): Uncertain significance. Review status: criteria provided, multiple submitters, no conflicts (2 of 4 stars). 2 submissions from 2 submitters: Uncertain significance (2). Last evaluated 2022-07-13.

Allele frequency attached by ClinVar (database versions not stated): ExAC 0.00001; gnomAD exomes 0.00002; TOPMed 0.00003; gnomAD 0.00005 and 0.00006.

Submissions (2):

Blueprint Genetics
Classification: Uncertain significance. Last evaluated: 2022-07-13. Review status: criteria provided, single submitter. Criteria: ACMG Guidelines, 2015. Collection method: clinical testing. Allele origin: germline.

Laboratory for Molecular Medicine, Mass General Brigham Personalized Medicine
Classification: Uncertain significance. Last evaluated: 2015-06-04. Review status: criteria provided, single submitter. Criteria: LMM Criteria. Collection method: clinical testing. Allele origin: germline. Observed: 1 variant allele.
Comment: The p.Arg336Trp variant in MARVELD2 has not been previously reported in individu als with hearing loss, but has been identified in 1/16510 South Asian chromosome s by the Exome Aggregation Consortium (ExAC). Al though the variant has been seen in the general population, its frequency is not high enough to rule out pathogenicity. Computational prediction tools and conse rvation analysis suggest that this variant may impact the protein, though this i nformation is not predictive enough to determine pathogenicity. In summary, the clinical significance of the p.Arg336Trp variant is uncertain.